The following is an entry in ClinVar:

NM_031885.5(BBS2):c.1649_1650del (p.Leu550fs)

Gene: BBS2 (Bardet-Biedl syndrome 2; minus strand). Cytogenetic location: 16q13.
Variant type: Deletion.
Coding change: c.1649_1650del on transcript NM_031885.5 (MANE Select); coding-DNA positions 1649 to 1650, 2 bases deleted (TT; older notation c.1649_1650delTT).
Protein change: p.Leu550fs; shifts the reading frame from leucine 550.
Molecular consequence: frameshift variant. On other transcripts: non-coding transcript variant (5).
Genome position (GRCh38, 1-based): chr16:56,498,446-56,498,447, AA deleted on the plus strand (TT on the coding strand, the reverse complement: BBS2 is on the minus strand). VCF-style (leftmost placement, unchanged base first): chr16-56498445-TAA-T. GRCh37 (hg19) VCF-style: chr16-56532357-TAA-T.
Other names: c.1649_1650delTT (NM_031885.3); c.1649_1650del, p.Leu550fs (NM_001377456.1); short protein forms L550fs.
Identifiers: ClinVar variation 1076595 (VCV001076595.10), dbSNP rs750146549, ClinGen allele CA8065660.

ClinVar aggregate classification (germline): Pathogenic/Likely pathogenic. Review status: criteria provided, multiple submitters, no conflicts (2 of 4 stars). 3 submissions from 3 submitters: Pathogenic (1); Likely pathogenic (2). Last evaluated 2026-01-21.

Conditions:
Retinitis pigmentosa 74 (RP74). Identifiers: Orphanet 791, MedGen C4225281, MONDO:0014692, OMIM 616562.
Bardet-Biedl syndrome 2 (BBS2). Identifiers: Orphanet 110, MedGen C2936863, MONDO:0014432, OMIM 615981.
Bardet-Biedl syndrome (BBS). Identifiers: Orphanet 110, MedGen C0752166, MONDO:0015229.

Allele frequency attached by ClinVar (database versions not stated): gnomAD exomes below 0.00001; ExAC 0.00001.

Submissions (3):

Labcorp Genetics (formerly Invitae), Labcorp
Classification: Pathogenic for Bardet-Biedl syndrome. Last evaluated: 2026-01-21. Review status: criteria provided, single submitter. Criteria: Invitae Variant Classification Sherloc (09022015). Collection method: clinical testing. Allele origin: germline.
Comment: This sequence change creates a premature translational stop signal (p.Leu550Glnfs*9) in the BBS2 gene. It is expected to result in an absent or disrupted protein product. Loss-of-function variants in BBS2 are known to be pathogenic (PMID: 11285252, 20177705, 24608809, 26518167). This variant is present in population databases (rs750146549, gnomAD 0.0009%). This variant has not been reported in the literature in individuals affected with BBS2-related conditions. ClinVar contains an entry for this variant (Variation ID: 1076595). For these reasons, this variant has been classified as Pathogenic.

Natera, Inc.
Classification: Likely pathogenic for Bardet-Biedl syndrome type 2. Last evaluated: 2024-12-13. Review status: criteria provided, single submitter. Criteria: Natera Variant Classification Schema (03/2026). Collection method: clinical testing. Allele origin: germline.
Comment: The c.1649_1650delTT variant in BBS2 is a frameshift variant predicted to shift the reading frame beginning at codon 550 and leads to a stop codon 9 codons downstream. This variant is expected to result in nonsense mediated decay, truncation, or a dysfunctional protein product. This variant is rare in the general population with a frequency below the threshold expected for the associated phenotype(s). Given the available evidence, this variant is classified as Likely Pathogenic.

Fulgent Genetics
Classification: Likely pathogenic for Bardet-Biedl syndrome 2; Retinitis pigmentosa 74. Last evaluated: 2024-01-23. Review status: criteria provided, single submitter. Criteria: ACMG Guidelines, 2015. Collection method: clinical testing. Allele origin: germline.

Literature cited by the submitters: PubMed 11285252 (cited by Labcorp Genetics (formerly Invitae), Labcorp); PubMed 20177705 (cited by Labcorp Genetics (formerly Invitae), Labcorp); PubMed 24608809 (cited by Labcorp Genetics (formerly Invitae), Labcorp); PubMed 26518167 (cited by Labcorp Genetics (formerly Invitae), Labcorp).